The following is an entry in ClinVar:

ClinVar aggregate classification (germline): Benign/Likely benign. Review status: criteria provided, multiple submitters, no conflicts (2 of 4 stars). 21 submissions from 20 submitters: Benign (13); Likely benign (2). 6 of the submissions do not count toward it. Last evaluated 2026-02-04.

Conditions:
Cardiovascular phenotype. Identifiers: MedGen CN230736.
Hypercholesterolemia, autosomal dominant, type B (FHCL2). Also called: Familial Hypercholesterolemia Type B; APOLIPOPROTEIN B-100, FAMILIAL DEFECTIVE; APOLIPOPROTEIN B-100, FAMILIAL LIGAND-DEFECTIVE; HYPERCHOLESTEROLEMIA, FAMILIAL, DUE TO LIGAND-DEFECTIVE APOLIPOPROTEIN B; Hyperlipoproteinemia Type IIb; Familial hypercholesterolemia 2. Identifiers: MedGen C1704417, MONDO:0007751, OMIM 144010.
Familial hypobetalipoproteinemia 1. Also called: Hypobetalipoproteinemia, normotriglyceridemic; Acanthocytosis with hypobetalipoproteinemia; APOB-Related Familial Hypobetalipoproteinemia. Identifiers: MedGen C4551990, MONDO:0014252, OMIM 615558.
Familial hypercholesterolemia. Also called: Familial hypercholesterolemias; Familial hypercholesterolaemia. Identifiers: MedGen C0020445, MONDO:0005439.
Hypercholesterolemia, familial, 1. Also called: LDL RECEPTOR DISORDER; Hyperlipoproteinemia Type IIa; HYPER-LOW-DENSITY-LIPOPROTEINEMIA; HYPERCHOLESTEROLEMIC XANTHOMATOSIS, FAMILIAL; Fredrickson type IIa hyperlipoproteinemia; Hyperlipoproteinemia type 2. Identifiers: Orphanet 391665, MedGen C0745103, MONDO:0007750, OMIM 143890.

Allele frequency attached by ClinVar (database versions not stated): 1000 Genomes Project 0.03854; 1000 Genomes Project 30x 0.03998; gnomAD 0.06584; ESP Exome Variant Server 0.06697; TOPMed 0.06704; ExAC 0.06887; gnomAD exomes 0.08648.
gnomAD v4.1: 135,738 of 1,613,688 alleles (8.4%); highest among the groups gnomAD compares: Admixed American, 9.9%; 6,499 homozygotes.

Submissions (21):

Labcorp Genetics (formerly Invitae), Labcorp
Classification: Benign for Familial hypobetalipoproteinemia 1; Hypercholesterolemia, autosomal dominant, type B. Last evaluated: 2026-02-04. Review status: criteria provided, single submitter. Criteria: Invitae Variant Classification Sherloc (09022015). Collection method: clinical testing. Allele origin: germline.

Molecular Diagnostic Laboratory for Inherited Cardiovascular Disease, Montreal Heart Institute
Classification: Benign. Last evaluated: 2025-04-09. Review status: criteria provided, single submitter. Criteria: ACMG Guidelines, 2015. Collection method: clinical testing. Allele origin: germline. Affected: no.

Blueprint Genetics
Classification: Benign. Last evaluated: 2024-11-26. Review status: criteria provided, single submitter. Criteria: ACMG Guidelines, 2015. Collection method: clinical testing. Allele origin: germline.

GENinCode PLC
Classification: Benign for Familial hypercholesterolemia. Last evaluated: 2022-06-20. Review status: criteria provided, single submitter. Criteria: ACMG Guidelines, 2015. Collection method: clinical testing. Allele origin: germline.

Illumina Laboratory Services, Illumina
Classification: Likely benign for Familial hypobetalipoproteinemia 1. Last evaluated: 2018-01-12. Review status: criteria provided, single submitter. Criteria: ICSL Variant Classification Criteria 13 December 2019. Collection method: clinical testing. Allele origin: germline.
Comment: This variant was observed in the ICSL laboratory as part of a predisposition screen in an ostensibly healthy population. It had not been previously curated by ICSL or reported in the Human Gene Mutation Database (HGMD: prior to June 1st, 2018), and was therefore a candidate for classification through an automated scoring system. Utilizing variant allele frequency, disease prevalence and penetrance estimates, and inheritance mode, an automated score was calculated to assess if this variant is too frequent to cause the disease. Based on the score and internal cut-off values, a variant classified as likely benign is not then subjected to further curation. The score for this variant resulted in a classification of likely benign for this disease.

Illumina Laboratory Services, Illumina
Classification: Benign for Hypercholesterolemia, autosomal dominant, type B. Last evaluated: 2018-01-12. Review status: criteria provided, single submitter. Criteria: ICSL Variant Classification Criteria 13 December 2019. Collection method: clinical testing. Allele origin: germline.
Comment: This variant was observed in the ICSL laboratory as part of a predisposition screen in an ostensibly healthy population. It had not been previously curated by ICSL or reported in the Human Gene Mutation Database (HGMD: prior to June 1st, 2018), and was therefore a candidate for classification through an automated scoring system. Utilizing variant allele frequency, disease prevalence and penetrance estimates, and inheritance mode, an automated score was calculated to assess if this variant is too frequent to cause the disease. Based on the score and internal cut-off values, a variant classified as benign is not then subjected to further curation. The score for this variant resulted in a classification of benign for this disease.

Color Diagnostics, LLC DBA Color Health
Classification: Benign for Familial hypercholesterolemias. Last evaluated: 2017-07-25. Review status: criteria provided, single submitter. Criteria: ACMG Guidelines, 2015. Collection method: clinical testing. Allele origin: germline.

GeneDx
Classification: Benign. Last evaluated: 2016-11-09. Review status: criteria provided, single submitter. Criteria: GeneDx Variant Classification (06012015). Collection method: clinical testing. Allele origin: germline. Affected: yes.
Comment: This variant is considered likely benign or benign based on one or more of the following criteria: it is a conservative change, it occurs at a poorly conserved position in the protein, it is predicted to be benign by multiple in silico algorithms, and/or has population frequency not consistent with disease.

Cardiovascular Research Group, Instituto Nacional de Saude Doutor Ricardo Jorge
Classification: Benign for Familial hypercholesterolemia. Last evaluated: 2016-03-01. Review status: criteria provided, single submitter. Criteria: ACMG Guidelines, 2015. Collection method: research. Allele origin: germline. Affected: yes.

Laboratory of Genetics and Molecular Cardiology, University of São Paulo
Classification: Benign for Familial hypercholesterolemia. Last evaluated: 2016-03-01. Review status: criteria provided, single submitter. Criteria: ACMG Guidelines, 2015. Collection method: research. Allele origin: germline. Study: HipercolBrasil.

Laboratory for Molecular Medicine, Mass General Brigham Personalized Medicine
Classification: Benign. Last evaluated: 2015-12-31. Review status: criteria provided, single submitter. Criteria: LMM Criteria. Collection method: clinical testing. Allele origin: germline. Observed: 2 variant alleles.
Comment: p.Arg3638Gln in exon 26 of APOB: This variant is not expected to have clinical s ignificance because it has been identified in 6.9% (8306/120598) of chromosomes by the Exome Aggregation Consortium (ExAC; dbSNP rs1801701).

Ambry Genetics
Classification: Benign for Cardiovascular phenotype. Last evaluated: 2015-12-14. Review status: criteria provided, single submitter. Criteria: Ambry Variant Classification Scheme 2023. Collection method: clinical testing. Allele origin: germline.

Mayo Clinic Laboratories, Mayo Clinic
Classification: Benign. Last evaluated: 2014-02-26. Review status: criteria provided, single submitter. Criteria: ACMG Guidelines, 2015. Collection method: clinical testing. Allele origin: germline. Observed: 190 variant alleles.

Breakthrough Genomics
Classification: Likely benign. Review status: criteria provided, single submitter. Criteria: ACMG Guidelines, 2015. Collection method: not provided. Allele origin: germline. Inheritance: Autosomal recessive inheritance. Affected: yes.

PreventionGenetics, part of Exact Sciences
Classification: Benign. Review status: criteria provided, single submitter. Criteria: ACMG Guidelines, 2015. Collection method: clinical testing. Allele origin: germline.

Cohesion Phenomics
Classification: Benign for Familial hypercholesterolemia. Last evaluated: 2023-02-09. Review status: no assertion criteria provided. Criteria: ACMG Guidelines, 2015. Collection method: clinical testing. Allele origin: germline. Affected: yes. Not counted in ClinVar's aggregate classification.

Clinical Genetics, Academic Medical Center
Classification: Benign. Review status: no assertion criteria provided. Collection method: clinical testing. Allele origin: germline. Affected: yes. Study: VKGL Data-share Consensus. Not counted in ClinVar's aggregate classification.

Department of Pathology and Laboratory Medicine, Sinai Health System
Classification: Uncertain significance. Review status: no assertion criteria provided. Collection method: clinical testing. Allele origin: unknown. Affected: yes. Study: The Canadian Open Genetics Repository (COGR). Not counted in ClinVar's aggregate classification.
Comment: multiple AR variants in same gene - keep for nowAllele frequency is common in at least one population database (frequency: 10.653% in TwinsUk) based on the frequency threshold of 1.253% for this gene.Variant was observed in a homozygous state in population databases more than expected for disease.

Diagnostic Laboratory, Department of Genetics, University Medical Center Groningen
Classification: Benign. Review status: no assertion criteria provided. Collection method: clinical testing. Allele origin: germline. Affected: yes. Study: VKGL Data-share Consensus. Not counted in ClinVar's aggregate classification.

Genetic Services Laboratory, University of Chicago
Classification: Likely benign for AllHighlyPenetrant. Review status: no assertion criteria provided. Collection method: clinical testing. Allele origin: germline. Inheritance: Autosomal dominant inheritance. Not counted in ClinVar's aggregate classification.
Comment: Likely benign based on allele frequency in 1000 Genomes Project or ESP global frequency and its presence in a patient with a rare or unrelated disease phenotype. NOT Sanger confirmed.

Laboratorium voor Moleculaire Diagnostiek Experimentele Vasculaire Geneeskunde, Academisch Medisch Centrum
Classification: Benign. Review status: no assertion criteria provided. Collection method: research. Allele origin: germline. Not counted in ClinVar's aggregate classification.

NM_000384.3(APOB):c.10913G>A (p.Arg3638Gln)

Gene: APOB (apolipoprotein B; minus strand). Cytogenetic location: 2p24.1.
Variant type: single nucleotide variant.
Coding change: c.10913G>A on transcript NM_000384.3 (MANE Select); coding-DNA position 10913, G replaced by A.
Protein change: p.Arg3638Gln; replaces arginine 3638 with glutamine.
Molecular consequence: missense variant.
Genome position (GRCh38, 1-based): chr2:21,005,955, C>T on the plus strand (G>A on the coding strand, the complement: APOB is on the minus strand). VCF-style: chr2-21005955-C-T. GRCh37 (hg19) VCF-style: chr2-21228827-C-T.
Other names: short protein forms R3638Q.
Identifiers: ClinVar variation 128416 (VCV000128416.39), dbSNP rs1801701, ClinGen allele CA022759.